The following is an entry in ClinVar:

NM_000553.6(WRN):c.1328A>G (p.Asp443Gly)

Gene: WRN (WRN RecQ like helicase; plus strand). Cytogenetic location: 8p12.
Variant type: single nucleotide variant.
Coding change: c.1328A>G on transcript NM_000553.6 (MANE Select); coding-DNA position 1328, A replaced by G.
Protein change: p.Asp443Gly; replaces aspartic acid 443 with glycine.
Molecular consequence: missense variant.
Genome position (GRCh38, 1-based): chr8:31,083,757, A>G. VCF-style: chr8-31083757-A-G. GRCh37 (hg19) VCF-style: chr8-30941273-A-G.
Other names: short protein forms D443G.
Identifiers: ClinVar variation 1504193 (VCV001504193.8), dbSNP rs751493081, ClinGen allele CA370922790.

ClinVar aggregate classification (germline): Uncertain significance (1 of 4 stars; one submission).

Conditions:
Werner syndrome (WRN). Identifiers: Orphanet 902, MedGen C0043119, MONDO:0010196, OMIM 277700.

Allele frequency attached by ClinVar (database versions not stated): gnomAD 0.00001; TOPMed 0.00001.
gnomAD v4.1: 1 of 1,604,796 alleles (0.000062%); highest among the groups gnomAD compares: African/African-American, 0.0013%; no homozygotes.

Submission:

Labcorp Genetics (formerly Invitae), Labcorp
Classification: Uncertain significance for Werner syndrome. Last evaluated: 2023-08-24. Review status: criteria provided, single submitter. Criteria: Invitae Variant Classification Sherloc (09022015). Collection method: clinical testing. Allele origin: germline.
Comment: This variant has not been reported in the literature in individuals affected with WRN-related conditions. In summary, the available evidence is currently insufficient to determine the role of this variant in disease. Therefore, it has been classified as a Variant of Uncertain Significance. An algorithm developed to predict the effect of missense changes on protein structure and function (PolyPhen-2) suggests that this variant is likely to be tolerated. ClinVar contains an entry for this variant (Variation ID: 1504193). This variant is not present in population databases (gnomAD no frequency). This sequence change replaces aspartic acid, which is acidic and polar, with glycine, which is neutral and non-polar, at codon 443 of the WRN protein (p.Asp443Gly).